The following is an entry in ClinVar:

ClinVar aggregate classification (germline): Uncertain significance. Review status: criteria provided, multiple submitters, no conflicts (2 of 4 stars). 2 submissions from 2 submitters: Uncertain significance (2). Last evaluated 2025-05-19.

Conditions:
Diffuse cerebral and cerebellar atrophy - intractable seizures - progressive microcephaly syndrome. Also called: Microcephaly, progressive, with seizures and cerebral and cerebellar atrophy. Identifiers: Orphanet 404437, MedGen C4014239, MONDO:0014335, OMIM 615760.

Allele frequency attached by ClinVar (database versions not stated): ExAC 0.00002; gnomAD 0.00002 and 0.00003; gnomAD exomes below 0.00001 and 0.00003; TOPMed 0.00002.
gnomAD v4.1: 44 of 1,614,080 alleles (0.0027%); highest among the groups gnomAD compares: Non-Finnish European, 0.0032%; no homozygotes.

Submissions (2):

GeneDx
Classification: Uncertain significance. Last evaluated: 2025-05-19. Review status: criteria provided, single submitter. Criteria: GeneDx Variant Classification Process June 2021. Collection method: clinical testing. Allele origin: germline. Affected: yes.
Comment: Not observed at significant frequency in large population cohorts (gnomAD); In silico analysis supports that this missense variant has a deleterious effect on protein structure/function; Has not been previously published as pathogenic or benign to our knowledge; This variant is associated with the following publications: (PMID: 25471517)

Labcorp Genetics (formerly Invitae), Labcorp
Classification: Uncertain significance for Diffuse cerebral and cerebellar atrophy - intractable seizures - progressive microcephaly syndrome. Last evaluated: 2022-01-14. Review status: criteria provided, single submitter. Criteria: Invitae Variant Classification Sherloc (09022015). Collection method: clinical testing. Allele origin: germline.
Comment: This sequence change replaces alanine, which is neutral and non-polar, with valine, which is neutral and non-polar, at codon 335 of the QARS protein (p.Ala335Val). This variant is present in population databases (rs778484822, gnomAD 0.004%). This variant has not been reported in the literature in individuals affected with QARS-related conditions. ClinVar contains an entry for this variant (Variation ID: 840534). Algorithms developed to predict the effect of missense changes on protein structure and function are either unavailable or do not agree on the potential impact of this missense change (SIFT: "Deleterious"; PolyPhen-2: "Probably Damaging"; Align-GVGD: "Class C0"). In summary, the available evidence is currently insufficient to determine the role of this variant in disease. Therefore, it has been classified as a Variant of Uncertain Significance.

NM_005051.3(QARS1):c.1004C>T (p.Ala335Val)

Gene: QARS1 (glutaminyl-tRNA synthetase 1; minus strand). Cytogenetic location: 3p21.31.
Variant type: single nucleotide variant.
Coding change: c.1004C>T on transcript NM_005051.3 (MANE Select); coding-DNA position 1004, C replaced by T.
Protein change: p.Ala335Val; replaces alanine 335 with valine.
Molecular consequence: missense variant. On other transcripts: non-coding transcript variant (1).
Genome position (GRCh38, 1-based): chr3:49,100,431, G>A on the plus strand (C>T on the coding strand, the complement: QARS1 is on the minus strand). VCF-style: chr3-49100431-G-A. GRCh37 (hg19) VCF-style: chr3-49137864-G-A.
Other names: c.971C>T, p.Ala324Val (NM_001272073.2); short protein forms A335V, A324V.
Identifiers: ClinVar variation 840534 (VCV000840534.5), dbSNP rs778484822, ClinGen allele CA2391916.